The following is an entry in ClinVar:

ClinVar aggregate classification (germline): Uncertain significance (1 of 4 stars; one submission).

Conditions:
Hereditary cancer-predisposing syndrome. Also called: Hereditary Cancer Syndrome; Hereditary neoplastic syndrome; Neoplastic Syndromes, Hereditary; Tumor predisposition. Identifiers: Orphanet 140162, MedGen C0027672, MeSH D009386, MONDO:0015356.

Submission:

Ambry Genetics
Classification: Uncertain significance for Hereditary cancer-predisposing syndrome. Last evaluated: 2024-05-08. Review status: criteria provided, single submitter. Criteria: Ambry Variant Classification Scheme 2023. Collection method: clinical testing. Allele origin: germline.
Comment: The p.G45D variant (also known as c.134G>A), located in coding exon 1 of the MSH6 gene, results from a G to A substitution at nucleotide position 134. The glycine at codon 45 is replaced by aspartic acid, an amino acid with similar properties. This amino acid position is not well conserved in available vertebrate species. In addition, this alteration is predicted to be tolerated by in silico analysis. Based on the available evidence, the clinical significance of this variant remains unclear.

NM_000179.3(MSH6):c.134G>A (p.Gly45Asp)

Gene: MSH6 (mutS homolog 6; plus strand). Cytogenetic location: 2p16.3.
Variant type: single nucleotide variant.
Coding change: c.134G>A on transcript NM_000179.3 (MANE Select); coding-DNA position 134, G replaced by A.
Protein change: p.Gly45Asp; replaces glycine 45 with aspartic acid.
Molecular consequence: missense variant. On other transcripts: 5 prime UTR variant (1).
Genome position (GRCh38, 1-based): chr2:47,783,367, G>A. VCF-style: chr2-47783367-G-A. GRCh37 (hg19) VCF-style: chr2-48010506-G-A.
Other names: c.134G>A, p.Gly45Asp (NM_001281492.2, NM_001406795.1, NM_001406796.1 and 9 more transcripts); c.-603G>A (NM_001281493.2, NM_001406811.1); c.-195G>A (NM_001406799.1); c.79G>A, p.Ala27Thr (NM_001406804.1); c.-795G>A (NM_001406807.1); c.-450G>A (NM_001406812.1); c.-861G>A (NM_001406814.1); c.-406G>A (NM_001406816.1); short protein forms G45D, A27T.
Identifiers: ClinVar variation 1770572 (VCV001770572.3), dbSNP rs1114167802, ClinGen allele CA346734901.